The following is an entry in ClinVar:

ClinVar aggregate classification (germline): Uncertain significance (1 of 4 stars; one submission).

Submission:

Greenwood Genetic Center Diagnostic Laboratories, Greenwood Genetic Center
Classification: Uncertain significance. Last evaluated: 2023-10-24. Review status: criteria provided, single submitter. Criteria: ACMG Guidelines, 2015. Collection method: clinical testing. Allele origin: germline. Affected: yes.
Comment: PM2

NM_201599.3(ZMYM3):c.446C>T (p.Pro149Leu)

Gene: ZMYM3 (zinc finger MYM-type containing 3; minus strand). Cytogenetic location: Xq13.1.
Variant type: single nucleotide variant.
Coding change: c.446C>T on transcript NM_201599.3 (MANE Select); coding-DNA position 446, C replaced by T.
Protein change: p.Pro149Leu; replaces proline 149 with leucine.
Molecular consequence: missense variant.
Genome position (GRCh38, 1-based): chrX:71,252,810, G>A on the plus strand (C>T on the coding strand, the complement: ZMYM3 is on the minus strand). VCF-style: chrX-71252810-G-A. GRCh37 (hg19) VCF-style: chrX-70472660-G-A.
Other names: c.446C>T, p.Pro149Leu (NM_001171162.1, NM_001171163.1, NM_005096.3); short protein forms P149L.
Identifiers: ClinVar variation 2692564 (VCV002692564.1), dbSNP rs2519849210, ClinGen allele CA413529284.